The following is an entry in ClinVar:

NM_002485.5(NBN):c.2125A>C (p.Ile709Leu)

Gene: NBN (nibrin; minus strand). Cytogenetic location: 8q21.3.
Variant type: single nucleotide variant.
Coding change: c.2125A>C on transcript NM_002485.5 (MANE Select); coding-DNA position 2125, A replaced by C.
Protein change: p.Ile709Leu; replaces isoleucine 709 with leucine.
Molecular consequence: missense variant.
Genome position (GRCh38, 1-based): chr8:89,943,312, T>G on the plus strand (A>C on the coding strand, the complement: NBN is on the minus strand). VCF-style: chr8-89943312-T-G. GRCh37 (hg19) VCF-style: chr8-90955540-T-G.
Other names: c.1879A>C, p.Ile627Leu (NM_001024688.3); short protein forms I627L, I709L.
Identifiers: ClinVar variation 2562306 (VCV002562306.2), dbSNP rs753269019, ClinGen allele CA371675581.
Genomic context (GRCh38, chr8:89,943,312, plus strand): 5'-CCTCCATTTCCTGCCTTAGCCACTCTTCTAGTTCTGTATTCTTTCGAGCATGATGAGCTA[T>G]TAGATCTGATCCTCCAATGATGTGTGGAAGTTTTCCTGCTCCAGGATATGTGACCTATTG-3'
Protein context (NP_002476.2, residues 699-719): LPHIIGGSDL[Ile709Leu]AHHARKNTEL

ClinVar aggregate classification (germline): Uncertain significance (1 of 4 stars; one submission).

Conditions:
Hereditary cancer-predisposing syndrome. Also called: Neoplastic Syndromes, Hereditary; Hereditary Cancer Syndrome; Hereditary neoplastic syndrome; Tumor predisposition. Identifiers: Orphanet 140162, MedGen C0027672, MeSH D009386, MONDO:0015356.

Submission:

Ambry Genetics
Classification: Uncertain significance for Hereditary cancer-predisposing syndrome. Last evaluated: 2023-04-27. Review status: criteria provided, single submitter. Criteria: Ambry Variant Classification Scheme 2023. Collection method: clinical testing. Allele origin: germline.
Comment: The p.I709L variant (also known as c.2125A>C), located in coding exon 14 of the NBN gene, results from an A to C substitution at nucleotide position 2125. The isoleucine at codon 709 is replaced by leucine, an amino acid with highly similar properties. This amino acid position is conserved. In addition, this alteration is predicted to be tolerated by in silico analysis. Since supporting evidence is limited at this time, the clinical significance of this alteration remains unclear.